The following is an entry in ClinVar:

NM_002691.4(POLD1):c.1357G>C (p.Gly453Arg)

Gene: POLD1 (DNA polymerase delta 1, catalytic subunit; plus strand). Cytogenetic location: 19q13.33.
Variant type: single nucleotide variant.
Coding change: c.1357G>C on transcript NM_002691.4 (MANE Select); coding-DNA position 1357, G replaced by C.
Protein change: p.Gly453Arg; replaces glycine 453 with arginine.
Molecular consequence: missense variant. On other transcripts: non-coding transcript variant (1).
Genome position (GRCh38, 1-based): chr19:50,406,296, G>C. VCF-style: chr19-50406296-G-C. GRCh37 (hg19) VCF-style: chr19-50909553-G-C.
Other names: c.1357G>C, p.Gly453Arg (NM_001256849.1, NM_001308632.1); short protein forms G453R.
Identifiers: ClinVar variation 537047 (VCV000537047.10), dbSNP rs1555791139, ClinGen allele CA406979944.
Genomic context (GRCh38, chr19:50,406,296, plus strand): 5'-GACTCTTCATTCCAGTCCAAGCAGACGGGCCGGCGGGACACCAAGGTTGTCAGCATGGTG[G>C]GCCGCGTGCAGATGGACATGCTGCAGGTATGGGCGGGAGGTGGGGTGTGTCCCTGTCCTT-3'
Protein context (NP_002682.2, residues 443-463): RRDTKVVSMV[Gly453Arg]RVQMDMLQVL

ClinVar aggregate classification (germline): Uncertain significance (1 of 4 stars; one submission).

Conditions:
POLD1-related polyposis and colorectal cancer syndrome (CRCS10). Also called: Colorectal cancer 10; COLORECTAL CANCER, SUSCEPTIBILITY TO, ON CHROMOSOME 19q; Colorectal cancer, susceptibility to, 10. Identifiers: Orphanet 220460, MedGen C2675481, MONDO:0012953, OMIM 612591.

Submission:

Labcorp Genetics (formerly Invitae), Labcorp
Classification: Uncertain significance for POLD1-related polyposis and colorectal cancer syndrome. Last evaluated: 2019-11-23. Review status: criteria provided, single submitter. Criteria: Invitae Variant Classification Sherloc (09022015). Collection method: clinical testing. Allele origin: germline.
Comment: In summary, the available evidence is currently insufficient to determine the role of this variant in disease. Therefore, it has been classified as a Variant of Uncertain Significance. Algorithms developed to predict the effect of missense changes on protein structure and function do not agree on the potential impact of this missense change (SIFT: "Deleterious"; PolyPhen-2: "Probably Damaging"; Align-GVGD: "Class C15"). This variant has not been reported in the literature in individuals with POLD1-related disease. This variant is not present in population databases (ExAC no frequency). This sequence change replaces glycine with arginine at codon 453 of the POLD1 protein (p.Gly453Arg). The glycine residue is highly conserved and there is a moderate physicochemical difference between glycine and arginine.